The following is an entry in ClinVar:

NM_015443.4(KANSL1):c.2034C>G (p.Ser678Arg)

Gene: KANSL1 (KAT8 regulatory NSL complex subunit 1). Cytogenetic location: 17q21.31.
Variant type: single nucleotide variant.
Coding change: c.2034C>G on transcript NM_015443.4 (MANE Select); coding-DNA position 2034, C replaced by G.
Protein change: p.Ser678Arg; replaces serine 678 with arginine.
Molecular consequence: missense variant.
Genome position (GRCh38, 1-based): chr17:46,039,871, G>C on the plus strand (C>G on the coding strand, the complement: KANSL1 is on the minus strand). VCF-style: chr17-46039871-G-C. GRCh37 (hg19) VCF-style: chr17-44117237-G-C.
Other names: c.2034C>G, p.Ser678Arg (NM_001193465.2, NM_001193466.2, NM_001379198.1 and 14 more transcripts); c.1932C>G, p.Ser644Arg (NM_001405859.1, NM_001405860.1, NM_001405861.1 and 1 more transcripts); c.768C>G, p.Ser256Arg (NM_001405882.1, NM_001405883.1, NM_001405884.1 and 1 more transcripts); short protein forms S256R, S644R, S678R.
Identifiers: ClinVar variation 2759770 (VCV002759770.3), dbSNP rs1294628678, ClinGen allele CA399982785.

ClinVar aggregate classification (germline): Uncertain significance (1 of 4 stars; one submission).

Conditions:
Koolen-de Vries syndrome (KDVS). Identifiers: Orphanet 96169, MedGen C1864871, MONDO:0012496, OMIM 610443.

Submission:

Labcorp Genetics (formerly Invitae), Labcorp
Classification: Uncertain significance for Koolen-de Vries syndrome. Last evaluated: 2024-05-15. Review status: criteria provided, single submitter. Criteria: Invitae Variant Classification Sherloc (09022015). Collection method: clinical testing. Allele origin: germline.
Comment: This sequence change replaces serine, which is neutral and polar, with arginine, which is basic and polar, at codon 678 of the KANSL1 protein (p.Ser678Arg). This variant is not present in population databases (gnomAD no frequency). This variant has not been reported in the literature in individuals affected with KANSL1-related conditions. Advanced modeling of protein sequence and biophysical properties (such as structural, functional, and spatial information, amino acid conservation, physicochemical variation, residue mobility, and thermodynamic stability) performed at Invitae indicates that this missense variant is not expected to disrupt KANSL1 protein function with a negative predictive value of 80%. In summary, the available evidence is currently insufficient to determine the role of this variant in disease. Therefore, it has been classified as a Variant of Uncertain Significance.